The following is an entry in ClinVar:

ClinVar aggregate classification (germline): Conflicting classifications of pathogenicity. Review status: criteria provided, conflicting classifications (1 of 4 stars). 4 submissions from 4 submitters: Uncertain significance (3); Likely benign (1). Last evaluated 2025-07-29.

Conditions:
Wilson disease (WND). Also called: Wilson's disease. Identifiers: Orphanet 905, MedGen C0019202, MONDO:0010200, OMIM 277900. Disease mechanism: loss of function.

Allele frequency attached by ClinVar (database versions not stated): gnomAD exomes below 0.00001 and 0.00001; TOPMed below 0.00001; ExAC 0.00001.
gnomAD v4.1: 14 of 1,614,216 alleles (0.00087%); highest among the groups gnomAD compares: South Asian, 0.0011%; no homozygotes.

Submissions (4):

Color Diagnostics, LLC DBA Color Health
Classification: Likely benign for Wilson disease. Last evaluated: 2025-07-29. Review status: criteria provided, single submitter. Criteria: ACMG Guidelines, 2015. Collection method: clinical testing. Allele origin: germline.

Revvity Omics, Revvity
Classification: Uncertain significance for Wilson disease. Last evaluated: 2024-11-24. Review status: criteria provided, single submitter. Criteria: ACMG Guidelines, 2015. Collection method: clinical testing. Allele origin: germline.

All of Us Research Program, National Institutes of Health
Classification: Uncertain significance for Wilson disease. Last evaluated: 2023-06-26. Review status: criteria provided, single submitter. Criteria: ACMG Guidelines, 2015. Collection method: clinical testing. Allele origin: germline. Inheritance: Autosomal recessive inheritance. Observed: 2 variant alleles, 2 heterozygotes.
Comment: This missense variant replaces glutamic acid with lysine at codon 396 of the ATP7B protein. Computational prediction suggests that this variant may not impact protein structure and function (internally defined REVEL score threshold <= 0.5, PMID: 27666373). To our knowledge, functional studies have not been reported for this variant. This variant has not been reported in individuals affected with ATP7B-related disorders in the literature. This variant has been identified in 1/249552 chromosomes in the general population by the Genome Aggregation Database (gnomAD). The available evidence is insufficient to determine the role of this variant in disease conclusively. Therefore, this variant is classified as a Variant of Uncertain Significance.

This study involves interpretation of variants in research participants for the purpose of population health screening. Participant phenotype was not available at the time of variant classification. Additional details can be found in publication PMID: 35346344, PMCID: PMC8962531

Labcorp Genetics (formerly Invitae), Labcorp
Classification: Uncertain significance for Wilson disease. Last evaluated: 2021-10-15. Review status: criteria provided, single submitter. Criteria: Invitae Variant Classification Sherloc (09022015). Collection method: clinical testing. Allele origin: germline.
Comment: This sequence change replaces glutamic acid with lysine at codon 396 of the ATP7B protein (p.Glu396Lys). The glutamic acid residue is moderately conserved and there is a small physicochemical difference between glutamic acid and lysine. The frequency data for this variant in the population databases is considered unreliable, as metrics indicate poor data quality at this position in the ExAC database. This variant has not been reported in the literature in individuals with ATP7B-related conditions. Algorithms developed to predict the effect of missense changes on protein structure and function output the following: SIFT: "Tolerated"; PolyPhen-2: "Benign"; Align-GVGD: "Class C0". The lysine amino acid residue is found in multiple mammalian species, suggesting that this missense change does not adversely affect protein function. These predictions have not been confirmed by published functional studies and their clinical significance is uncertain. In summary, the available evidence is currently insufficient to determine the role of this variant in disease. Therefore, it has been classified as a Variant of Uncertain Significance.

NM_000053.4(ATP7B):c.1186G>A (p.Glu396Lys)

Gene: ATP7B (ATPase copper transporting beta; minus strand). Cytogenetic location: 13q14.3.
Variant type: single nucleotide variant.
Coding change: c.1186G>A on transcript NM_000053.4 (MANE Select); coding-DNA position 1186, G replaced by A.
Protein change: p.Glu396Lys; replaces glutamic acid 396 with lysine.
Molecular consequence: missense variant.
Genome position (GRCh38, 1-based): chr13:51,974,034, C>T on the plus strand (G>A on the coding strand, the complement: ATP7B is on the minus strand). VCF-style: chr13-51974034-C-T. GRCh37 (hg19) VCF-style: chr13-52548170-C-T.
Other names: c.1186G>A, p.Glu396Lys (NM_001005918.3, NM_001330578.2, NM_001330579.2); c.853G>A, p.Glu285Lys (NM_001243182.2); short protein forms E396K, E285K.
Identifiers: ClinVar variation 1411525 (VCV001411525.6), dbSNP rs763051801, ClinGen allele CA6989420.